The following is an entry in ClinVar:

NM_001127178.3(PIGG):c.1114+3C>T

Gene: PIGG (phosphatidylinositol glycan anchor biosynthesis class G (EMM blood group); plus strand). Cytogenetic location: 4p16.3.
Variant type: single nucleotide variant.
Coding change: c.1114+3C>T on transcript NM_001127178.3 (MANE Select); 3 bases into the intron after coding-DNA position 1114, C replaced by T.
Molecular consequence: intron variant.
Genome position (GRCh38, 1-based): chr4:516,188, C>T. VCF-style: chr4-516188-C-T. GRCh37 (hg19) VCF-style: chr4-509977-C-T.
Other names: c.-99+3C>T (NM_001345994.2); c.847+3C>T (NM_001345986.2, NM_001345987.2, NM_001289051.2 and 2 more transcripts); c.-374+3C>T (NM_001345991.2); c.85+3C>T (NM_001345988.2); c.-512+3C>T (NM_001345990.2); c.1114+3C>T (NM_017733.5, NM_001345989.2); c.715+3C>T (NM_001289052.2); c.748+3C>T (NM_001289055.2).
Identifiers: ClinVar variation 1057469 (VCV001057469.9), dbSNP rs2108886203, ClinGen allele CA2499217228.

ClinVar aggregate classification (germline): Uncertain significance (1 of 4 stars; one submission).

Conditions:
Intellectual disability, autosomal recessive 53 (NEDHSCA). Also called: NEURODEVELOPMENTAL DISORDER WITH OR WITHOUT HYPOTONIA, SEIZURES, AND CEREBELLAR ATROPHY; GLYCOSYLPHOSPHATIDYLINOSITOL BIOSYNTHESIS DEFECT 13; Mental retardation, autosomal recessive 53. Identifiers: Orphanet 488635, MedGen C4310794, MONDO:0014832, OMIM 616917.

Submission:

Labcorp Genetics (formerly Invitae), Labcorp
Classification: Uncertain significance for Intellectual disability, autosomal recessive 53. Last evaluated: 2020-08-03. Review status: criteria provided, single submitter. Criteria: Invitae Variant Classification Sherloc (09022015). Collection method: clinical testing. Allele origin: germline.
Comment: In summary, the available evidence is currently insufficient to determine the role of this variant in disease. Therefore, it has been classified as a Variant of Uncertain Significance. Nucleotide substitutions within the consensus splice site are a relatively common cause of aberrant splicing (PMID: 17576681, 9536098). Algorithms developed to predict the effect of sequence changes on RNA splicing suggest that this variant is not likely to affect RNA splicing, but this prediction has not been confirmed by published transcriptional studies. This variant has not been reported in the literature in individuals with PIGG-related conditions. This variant is not present in population databases (ExAC no frequency). This sequence change falls in intron 6 of the PIGG gene. It does not directly change the encoded amino acid sequence of the PIGG protein, but it affects a nucleotide within the consensus splice site of the intron.

Literature cited by the submitters: PubMed 17576681; PubMed 9536098.